The following is an entry in ClinVar:

ClinVar aggregate classification (germline): Conflicting classifications of pathogenicity. Review status: criteria provided, conflicting classifications (1 of 4 stars). 3 submissions from 3 submitters: Uncertain significance (1); Likely benign (2). Last evaluated 2025-06-13.

Conditions:
Inborn genetic diseases. Identifiers: MedGen C0950123, MeSH D030342.

Allele frequency attached by ClinVar (database versions not stated): ExAC 0.00002; 1000 Genomes Project 30x 0.00031; gnomAD exomes below 0.00001; gnomAD 0.00002; TOPMed 0.00003; 1000 Genomes Project 0.00020.

Submissions (3):

Labcorp Genetics (formerly Invitae), Labcorp
Classification: Likely benign. Last evaluated: 2025-06-13. Review status: criteria provided, single submitter. Criteria: Invitae Variant Classification Sherloc (09022015). Collection method: clinical testing. Allele origin: germline.

Ambry Genetics
Classification: Likely benign for Inborn genetic diseases. Last evaluated: 2025-03-12. Review status: criteria provided, single submitter. Criteria: Ambry Variant Classification Scheme 2023. Collection method: clinical testing. Allele origin: germline.

GeneDx
Classification: Uncertain significance. Last evaluated: 2023-10-03. Review status: criteria provided, single submitter. Criteria: GeneDx Variant Classification Process June 2021. Collection method: clinical testing. Allele origin: germline. Affected: yes.
Comment: Not observed at significant frequency in large population cohorts (gnomAD); In silico analysis supports that this variant does not alter splicing; Has not been previously published as pathogenic or benign to our knowledge

NM_017654.4(SAMD9):c.4734T>C (p.Ile1578=)

Gene: SAMD9 (sterile alpha motif domain containing 9; minus strand). Cytogenetic location: 7q21.2.
Variant type: single nucleotide variant.
Coding change: c.4734T>C on transcript NM_017654.4 (MANE Select); coding-DNA position 4734, T replaced by C.
Protein change: p.Ile1578=; no amino-acid change (isoleucine 1578 retained).
Molecular consequence: synonymous variant.
Genome position (GRCh38, 1-based): chr7:93,101,364, A>G on the plus strand (T>C on the coding strand, the complement: SAMD9 is on the minus strand). VCF-style: chr7-93101364-A-G. GRCh37 (hg19) VCF-style: chr7-92730677-A-G.
Other names: c.4734T>C (NM_017654.3); c.4734T>C, p.Ile1578= (NM_001193307.2).
Identifiers: ClinVar variation 2776502 (VCV002776502.5), dbSNP rs552529075, ClinGen allele CA4342503.